The following is an entry in ClinVar:

NM_005220.3(DLX3):c.587A>G (p.Glu196Gly)

Gene: DLX3 (distal-less homeobox 3; minus strand). Cytogenetic location: 17q21.33.
Variant type: single nucleotide variant.
Coding change: c.587A>G on transcript NM_005220.3 (MANE Select); coding-DNA position 587, A replaced by G.
Protein change: p.Glu196Gly; replaces glutamic acid 196 with glycine.
Molecular consequence: missense variant.
Genome position (GRCh38, 1-based): chr17:49,991,794, T>C on the plus strand (A>G on the coding strand, the complement: DLX3 is on the minus strand). VCF-style: chr17-49991794-T-C. GRCh37 (hg19) VCF-style: chr17-48069158-T-C.
Other names: short protein forms E196G.
Identifiers: ClinVar variation 4082953 (VCV004082953.1).

ClinVar aggregate classification (germline): Uncertain significance (1 of 4 stars; one submission).

Submission:

GeneDx
Classification: Uncertain significance. Last evaluated: 2025-03-07. Review status: criteria provided, single submitter. Criteria: GeneDx Variant Classification Process June 2021. Collection method: clinical testing. Allele origin: germline. Affected: yes.
Comment: Not observed at significant frequency in large population cohorts (gnomAD); In silico analysis supports that this missense variant has a deleterious effect on protein structure/function; Has not been previously published as pathogenic or benign to our knowledge